The following is an entry in ClinVar:

NM_000512.5(GALNS):c.820_821insT (p.Asp274fs)

Gene: GALNS (galactosamine (N-acetyl)-6-sulfatase; minus strand). Cytogenetic location: 16q24.3.
Variant type: Insertion.
Coding change: c.820_821insT on transcript NM_000512.5 (MANE Select); coding-DNA positions 820 to 821, T inserted.
Protein change: p.Asp274fs; shifts the reading frame from aspartic acid 274.
Molecular consequence: frameshift variant.
Genome position: GRCh38 VCF-style: chr16-88835290-T-TA. GRCh37 (hg19) VCF-style: chr16-88901698-T-TA.
Other names: c.265_266insT, p.Asp89fs (NM_001323543.2); c.838_839insT, p.Asp280fs (NM_001323544.2); short protein forms D274fs, D280fs, D89fs.
Identifiers: ClinVar variation 3607548 (VCV003607548.2).

ClinVar aggregate classification (germline): Pathogenic (1 of 4 stars; one submission).

Conditions:
Mucopolysaccharidosis, MPS-IV-A (MPS4A). Also called: Morquio syndrome A, mild; MORQUIO SYNDROME A; GALACTOSAMINE-6-SULFATASE DEFICIENCY; GALNS DEFICIENCY; MORQUIO A DISEASE; Mucopolysaccharidosis type IV A. Identifiers: Orphanet 309297, Orphanet 582, MedGen C0086651, MONDO:0009659, OMIM 253000.

Submission:

Labcorp Genetics (formerly Invitae), Labcorp
Classification: Pathogenic for Mucopolysaccharidosis, MPS-IV-A. Last evaluated: 2024-02-25. Review status: criteria provided, single submitter. Criteria: Invitae Variant Classification Sherloc (09022015). Collection method: clinical testing. Allele origin: germline.
Comment: This sequence change creates a premature translational stop signal (p.Asp274Valfs*42) in the GALNS gene. It is expected to result in an absent or disrupted protein product. Loss-of-function variants in GALNS are known to be pathogenic (PMID: 12442278). This variant is not present in population databases (gnomAD no frequency). This premature translational stop signal has been observed in individual(s) with Morquio syndrome Type A (Invitae). For these reasons, this variant has been classified as Pathogenic.

Literature cited by the submitters: PubMed 12442278.